The following is an entry in ClinVar:

ClinVar aggregate classification (germline): Benign. Review status: criteria provided, multiple submitters, no conflicts (2 of 4 stars). 2 submissions from 2 submitters: Benign (2). Last evaluated 2018-07-13.

Allele frequency attached by ClinVar (database versions not stated): gnomAD exomes 0.35346 and 0.38700; ExAC 0.36547; 1000 Genomes Project 0.39337; 1000 Genomes Project 30x 0.39928; gnomAD 0.40900 and 0.41334; TOPMed 0.41317; ESP Exome Variant Server 0.44687.
gnomAD v4.1: 625,293 of 1,608,190 alleles (39%); highest among the groups gnomAD compares: African/African-American, 54%; 124,850 homozygotes.

Submissions (2):

GeneDx
Classification: Benign. Last evaluated: 2018-07-13. Review status: criteria provided, single submitter. Criteria: GeneDx Variant Classification Process June 2021. Collection method: clinical testing. Allele origin: germline. Affected: yes.
Comment: This variant is associated with the following publications: (PMID: 29547645, 26553438)

Breakthrough Genomics
Classification: Benign. Review status: criteria provided, single submitter. Criteria: ACMG Guidelines, 2015. Collection method: not provided. Allele origin: germline. Inheritance: Unknown mechanism. Affected: yes.

NM_005171.5(ATF1):c.327C>T (p.Tyr109=)

Gene: ATF1 (activating transcription factor 1; plus strand). Cytogenetic location: 12q13.12.
Variant type: single nucleotide variant.
Coding change: c.327C>T on transcript NM_005171.5 (MANE Select); coding-DNA position 327, C replaced by T.
Protein change: p.Tyr109=; no amino-acid change (tyrosine 109 retained).
Molecular consequence: synonymous variant.
Genome position (GRCh38, 1-based): chr12:50,809,588, C>T. VCF-style: chr12-50809588-C-T. GRCh37 (hg19) VCF-style: chr12-51203371-C-T.
Identifiers: ClinVar variation 1285794 (VCV001285794.2), dbSNP rs1129406, ClinGen allele CA6565573.
Genomic context (GRCh38, chr12:50,809,588, plus strand): 5'-TGCTGCTGTCACTTCTATGTCTGTTCCAACTCCCATCTATCAGACTAGCAGCGGACAGTA[C>T]AGTATGTATAGGAATCAGTTTCCACATTATAAACACACAAAACCTGACTTTTCTGTAGAA-3'
Protein context (NP_005162.1, residues 99-119): TPIYQTSSGQ[Tyr109=]IAIAPNGALQ